The following is an entry in ClinVar:

NM_033100.4(CDHR1):c.838C>T (p.Arg280Ter)

Gene: CDHR1 (cadherin related family member 1; plus strand). Cytogenetic location: 10q23.1.
Variant type: single nucleotide variant.
Coding change: c.838C>T on transcript NM_033100.4 (MANE Select); coding-DNA position 838, C replaced by T.
Protein change: p.Arg280Ter; replaces arginine 280 with a stop codon.
Molecular consequence: nonsense.
Genome position (GRCh38, 1-based): chr10:84,204,581, C>T. VCF-style: chr10-84204581-C-T. GRCh37 (hg19) VCF-style: chr10-85964337-C-T.
Other names: c.838C>T, p.Arg280Ter (NM_001171971.3); short protein forms R280*.
Identifiers: ClinVar variation 844427 (VCV000844427.9), dbSNP rs191858417, ClinGen allele CA5579729.

ClinVar aggregate classification (germline): Pathogenic (1 of 4 stars; one submission).

Allele frequency attached by ClinVar (database versions not stated): TOPMed 0.00001.

Submission:

Labcorp Genetics (formerly Invitae), Labcorp
Classification: Pathogenic. Last evaluated: 2024-11-25. Review status: criteria provided, single submitter. Criteria: Invitae Variant Classification Sherloc (09022015). Collection method: clinical testing. Allele origin: germline.
Comment: This sequence change creates a premature translational stop signal (p.Arg280*) in the CDHR1 gene. It is expected to result in an absent or disrupted protein product. Loss-of-function variants in CDHR1 are known to be pathogenic (PMID: 23044944, 23591405, 26103963, 26261414). This variant is present in population databases (rs191858417, gnomAD 0.004%). This premature translational stop signal has been observed in individual(s) with clinical features of retinal dystrophy (PMID: 26103963). ClinVar contains an entry for this variant (Variation ID: 844427). Algorithms developed to predict the effect of sequence changes on RNA splicing suggest that this variant may disrupt the consensus splice site. For these reasons, this variant has been classified as Pathogenic.

Literature cited by the submitters: PubMed 23044944; PubMed 23591405; PubMed 26103963; PubMed 26261414.